The following is an entry in ClinVar:

NM_000350.3(ABCA4):c.2758C>T (p.Arg920Cys)

Gene: ABCA4 (ATP binding cassette subfamily A member 4; minus strand). Cytogenetic location: 1p22.1.
Variant type: single nucleotide variant.
Coding change: c.2758C>T on transcript NM_000350.3 (MANE Select); coding-DNA position 2758, C replaced by T.
Protein change: p.Arg920Cys; replaces arginine 920 with cysteine.
Molecular consequence: missense variant.
Genome position (GRCh38, 1-based): chr1:94,047,079, G>A on the plus strand (C>T on the coding strand, the complement: ABCA4 is on the minus strand). VCF-style: chr1-94047079-G-A. GRCh37 (hg19) VCF-style: chr1-94512635-G-A.
Other names: c.2536C>T, p.Arg846Cys (NM_001425324.1); short protein forms R920C, R846C.
Identifiers: ClinVar variation 1014061 (VCV001014061.8), dbSNP rs533451778, ClinGen allele CA958163.

ClinVar aggregate classification (germline): Uncertain significance (1 of 4 stars; one submission).

Allele frequency attached by ClinVar (database versions not stated): TOPMed below 0.00001; gnomAD 0.00001; gnomAD exomes 0.00001 and 0.00003; ExAC 0.00004; 1000 Genomes Project 30x 0.00016; 1000 Genomes Project 0.00020.
gnomAD v4.1: 20 of 1,614,100 alleles (0.0012%); highest among the groups gnomAD compares: South Asian, 0.011%; no homozygotes.

Submission:

Labcorp Genetics (formerly Invitae), Labcorp
Classification: Uncertain significance. Last evaluated: 2023-11-27. Review status: criteria provided, single submitter. Criteria: Invitae Variant Classification Sherloc (09022015). Collection method: clinical testing. Allele origin: germline.
Comment: This sequence change replaces arginine, which is basic and polar, with cysteine, which is neutral and slightly polar, at codon 920 of the ABCA4 protein (p.Arg920Cys). This variant is present in population databases (rs533451778, gnomAD 0.02%). This variant has not been reported in the literature in individuals affected with ABCA4-related conditions. ClinVar contains an entry for this variant (Variation ID: 1014061). Advanced modeling of protein sequence and biophysical properties (such as structural, functional, and spatial information, amino acid conservation, physicochemical variation, residue mobility, and thermodynamic stability) has been performed at Invitae for this missense variant, however the output from this modeling did not meet the statistical confidence thresholds required to predict the impact of this variant on ABCA4 protein function. In summary, the available evidence is currently insufficient to determine the role of this variant in disease. Therefore, it has been classified as a Variant of Uncertain Significance.